The following is an entry in ClinVar:

NM_000133.4(F9):c.1256T>G (p.Val419Gly)

Gene: F9 (coagulation factor IX; plus strand). Cytogenetic location: Xq27.1.
Variant type: single nucleotide variant.
Coding change: c.1256T>G on transcript NM_000133.4 (MANE Select); coding-DNA position 1256, T replaced by G.
Protein change: p.Val419Gly; replaces valine 419 with glycine.
Molecular consequence: missense variant.
Genome position (GRCh38, 1-based): chrX:139,561,941, T>G. VCF-style: chrX-139561941-T-G. GRCh37 (hg19) VCF-style: chrX-138644100-T-G.
Other names: c.1142T>G, p.Val381Gly (NM_001313913.2); short protein forms V419G, V381G.
Identifiers: ClinVar variation 618116 (VCV000618116.9), dbSNP rs137852280, ClinGen allele CA414446889.

ClinVar aggregate classification (germline): Likely pathogenic (1 of 4 stars; one submission).

Allele frequency attached by ClinVar (database versions not stated): TOPMed 0.00002.

Submission:

ARUP Laboratories, Molecular Genetics and Genomics, ARUP Laboratories
Classification: Likely pathogenic. Last evaluated: 2019-06-19. Review status: criteria provided, single submitter. Criteria: ARUP Molecular Germline Variant Investigation Process. Collection method: clinical testing. Allele origin: germline.
Comment: The F9 c.1256T>G; p.Val419Gly variant (rs137852280) is reported in the literature individuals affected with moderate hemophilia B (Li 2012, Miller 2012). This variant is reported in ClinVar (Variation ID: 618116), and is absent from general population databases (Exome Variant Server, and Genome Aggregation Database), indicating it is not a common polymorphism. The valine at codon 419 is moderately conserved, and computational algorithms (PolyPhen-2, SIFT) predict that this variant is deleterious. Additionally, another variant at this codon (c.1256T>A; p.Val419Glu) has been described in individuals with severe hemophilia B and is considered pathogenic (Giannelli 1994, Hamasaki-Katagiri 2012). Based on available information, this variant is considered likely pathogenic. References: Giannelli F et al. Haemophilia B: database of point mutations and short additions and deletions, fifth edition, 1994. Nucleic Acids Res. 1994 Sep;22(17):3534-46. Hamasaki-Katagiri N et al. Analysis of F9 point mutations and their correlation to severity of haemophilia B disease. Haemophilia. 2012 Nov;18(6):933-40. Li T et al. Mutation analysis of a cohort of US patients with hemophilia B. Am J Hematol. 2014 Apr;89(4):375-9. Miller CH et al. F8 and F9 mutations in US haemophilia patients: correlation with history of inhibitor and race/ethnicity. Haemophilia. 2012 May;18(3):375-82.